The following is an entry in ClinVar:

ClinVar aggregate classification (germline): Uncertain significance. Review status: criteria provided, multiple submitters, no conflicts (2 of 4 stars). 2 submissions from 2 submitters: Uncertain significance (2). Last evaluated 2025-04-01.

Submissions (2):

CeGaT Center for Human Genetics Tuebingen
Classification: Uncertain significance. Last evaluated: 2025-04-01. Review status: criteria provided, single submitter. Criteria: CeGaT Center For Human Genetics Tuebingen Variant Classification Criteria Version 2. Collection method: clinical testing. Allele origin: germline. Affected: yes. Observed: 1 variant allele.
Comment: TTN: PM2

Women's Health and Genetics/Laboratory Corporation of America, LabCorp
Classification: Uncertain significance. Last evaluated: 2024-01-30. Review status: criteria provided, single submitter. Criteria: LabCorp Variant Classification Summary - May 2015. Collection method: clinical testing. Allele origin: germline.
Comment: Variant summary: TTN c.57185A>T (p.Tyr19062Phe) results in a conservative amino acid change located in the A band region of the encoded protein sequence. Three of four in-silico tools predict a damaging effect of the variant on protein function. The variant was absent in 248508 control chromosomes (gnomAD). The available data on variant occurrences in the general population are insufficient to allow any conclusion about variant significance. To our knowledge, no occurrence of c.57185A>T in individuals affected with Limb-Girdle Muscular Dystrophy, Type 2J and no experimental evidence demonstrating its impact on protein function have been reported. No submitters have cited clinical-significance assessments for this variant to ClinVar. Based on the evidence outlined above, the variant was classified as uncertain significance.

NM_001267550.2(TTN):c.64889A>T (p.Tyr21630Phe)

Genes: TTN-AS1 (TTN antisense RNA 1; plus strand), TTN (titin; minus strand). Cytogenetic location: 2q31.2.
Variant type: single nucleotide variant.
Coding change: c.64889A>T on transcript NM_001267550.2 (MANE Select); coding-DNA position 64889, A replaced by T.
Protein change: p.Tyr21630Phe; replaces tyrosine 21630 with phenylalanine.
Molecular consequence: missense variant. On other transcripts: non-coding transcript variant (1).
Genome position (GRCh38, 1-based): chr2:178,584,752, T>A on the plus strand (A>T on the coding strand, the complement: TTN is on the minus strand). VCF-style: chr2-178584752-T-A. GRCh37 (hg19) VCF-style: chr2-179449479-T-A.
Other names: c.59966A>T, p.Tyr19989Phe (NM_001256850.1); c.37694A>T, p.Tyr12565Phe (NM_003319.4); c.57185A>T, p.Tyr19062Phe (NM_133378.4); c.38069A>T, p.Tyr12690Phe (NM_133432.3); c.38270A>T, p.Tyr12757Phe (NM_133437.4); short protein forms Y12565F, Y12690F, Y12757F, Y19062F, Y19989F, Y21630F.
Identifiers: ClinVar variation 3063722 (VCV003063722.8), dbSNP rs2469153550, ClinGen allele CA349436431.